The following is an entry in ClinVar:

NM_001372.4(DNAH9):c.11107C>T (p.Leu3703Phe)

Gene: DNAH9 (dynein axonemal heavy chain 9; plus strand). Cytogenetic location: 17p12.
Variant type: single nucleotide variant.
Coding change: c.11107C>T on transcript NM_001372.4 (MANE Select); coding-DNA position 11107, C replaced by T.
Protein change: p.Leu3703Phe; replaces leucine 3703 with phenylalanine.
Molecular consequence: missense variant.
Genome position (GRCh38, 1-based): chr17:11,886,960, C>T. VCF-style: chr17-11886960-C-T. GRCh37 (hg19) VCF-style: chr17-11790277-C-T.
Other names: c.43C>T, p.Leu15Phe (NM_004662.2); short protein forms L3703F, L15F.
Identifiers: ClinVar variation 1968307 (VCV001968307.5), dbSNP rs2544826421, ClinGen allele CA398199205.

ClinVar aggregate classification (germline): Uncertain significance (1 of 4 stars; one submission).

Submission:

Labcorp Genetics (formerly Invitae), Labcorp
Classification: Uncertain significance. Last evaluated: 2025-05-04. Review status: criteria provided, single submitter. Criteria: Invitae Variant Classification Sherloc (09022015). Collection method: clinical testing. Allele origin: germline.
Comment: This sequence change replaces leucine, which is neutral and non-polar, with phenylalanine, which is neutral and non-polar, at codon 3703 of the DNAH9 protein (p.Leu3703Phe). This variant is not present in population databases (gnomAD no frequency). This variant has not been reported in the literature in individuals affected with DNAH9-related conditions. ClinVar contains an entry for this variant (Variation ID: 1968307). Invitae Evidence Modeling of protein sequence and biophysical properties (such as structural, functional, and spatial information, amino acid conservation, physicochemical variation, residue mobility, and thermodynamic stability) indicates that this missense variant is expected to disrupt DNAH9 protein function with a positive predictive value of 80%. In summary, the available evidence is currently insufficient to determine the role of this variant in disease. Therefore, it has been classified as a Variant of Uncertain Significance.